The following is an entry in ClinVar:

NM_021815.5(SLC5A7):c.1313G>C (p.Gly438Ala)

Gene: SLC5A7 (solute carrier family 5 member 7; plus strand). Cytogenetic location: 2q12.3.
Variant type: single nucleotide variant.
Coding change: c.1313G>C on transcript NM_021815.5 (MANE Select); coding-DNA position 1313, G replaced by C.
Protein change: p.Gly438Ala; replaces glycine 438 with alanine.
Molecular consequence: missense variant.
Genome position (GRCh38, 1-based): chr2:108,010,431, G>C. VCF-style: chr2-108010431-G-C. GRCh37 (hg19) VCF-style: chr2-108626887-G-C.
Other names: c.1313G>C, p.Gly438Ala (NM_001305005.3); c.998G>C, p.Gly333Ala (NM_001305006.3); c.572G>C, p.Gly191Ala (NM_001305007.3); short protein forms G191A, G333A, G438A.
Identifiers: ClinVar variation 1707947 (VCV001707947.3), dbSNP rs1678275775, ClinGen allele CA348114302.

ClinVar aggregate classification (germline): Uncertain significance (1 of 4 stars; one submission).

Allele frequency attached by ClinVar (database versions not stated): gnomAD 0.00001.
gnomAD v4.1: 1 of 1,613,794 alleles (0.000062%); highest among the groups gnomAD compares: South Asian, 0.0011%; no homozygotes.

Submission:

GeneDx
Classification: Uncertain significance. Last evaluated: 2024-06-11. Review status: criteria provided, single submitter. Criteria: GeneDx Variant Classification Process June 2021. Collection method: clinical testing. Allele origin: germline.
Comment: Not observed at significant frequency in large population cohorts (gnomAD); In silico analysis indicates that this missense variant does not alter protein structure/function; Has not been previously published as pathogenic or benign to our knowledge